The following is an entry in ClinVar:

ClinVar aggregate classification (germline): Likely benign (1 of 4 stars; one submission).

Conditions:
MC3R-related disorder. Also called: MC3R-related condition.

Submission:

PreventionGenetics, part of Exact Sciences
Classification: Likely benign for MC3R-related condition. Last evaluated: 2025-10-03. Review status: criteria provided, single submitter. Criteria: ACMG Guidelines, 2015. Collection method: clinical testing. Allele origin: germline.
Comment: This variant is classified as likely benign based on ACMG/AMP sequence variant interpretation guidelines (Richards et al. 2015 PMID: 25741868, with internal and published modifications).

NM_019888.3(MC3R):c.831C>T (p.Tyr277=)

Gene: MC3R (melanocortin 3 receptor; plus strand). Cytogenetic location: 20q13.2.
Variant type: single nucleotide variant.
Coding change: c.831C>T on transcript NM_019888.3 (MANE Select); coding-DNA position 831, C replaced by T.
Protein change: p.Tyr277=; no amino-acid change (tyrosine 277 retained).
Molecular consequence: synonymous variant.
Genome position (GRCh38, 1-based): chr20:56,249,674, C>T. VCF-style: chr20-56249674-C-T. GRCh37 (hg19) VCF-style: chr20-54824730-C-T.
Identifiers: ClinVar variation 4987571 (VCV004987571.1).